The following is an entry in ClinVar:

ClinVar aggregate classification (germline): Uncertain significance. Review status: criteria provided, multiple submitters, no conflicts (2 of 4 stars). 5 submissions from 5 submitters: Uncertain significance (5). Last evaluated 2026-09-04.

Conditions:
Classic or attenuated familial adenomatous polyposis. Identifiers: MedGen CN372698, MONDO:0021057.
APC-related disorder. Also called: APC-related condition.
Familial adenomatous polyposis 1 (FAP1). Also called: FAMILIAL ADENOMATOUS POLYPOSIS 1, ATTENUATED; POLYPOSIS, ADENOMATOUS INTESTINAL. Identifiers: MedGen C2713442, MONDO:0021056, OMIM 175100. Disease mechanism: loss of function.
Hereditary cancer-predisposing syndrome. Also called: Neoplastic Syndromes, Hereditary; Tumor predisposition; Hereditary neoplastic syndrome; Hereditary Cancer Syndrome. Identifiers: Orphanet 140162, MedGen C0027672, MeSH D009386, MONDO:0015356.

Allele frequency attached by ClinVar (database versions not stated): gnomAD exomes 0.00001; ExAC 0.00002.

Submissions (5):

PreventionGenetics, part of Exact Sciences
Classification: Uncertain significance for APC-related condition. Last evaluated: 2026-09-04. Review status: criteria provided, single submitter. Criteria: ACMG Guidelines, 2015. Collection method: clinical testing. Allele origin: germline.
Comment: The APC c.3353A>C variant is predicted to result in the amino acid substitution p.Asn1118Thr. To our knowledge, this variant has not been reported in the literature. This variant is reported in 0.0058% of alleles in individuals of Latino descent in gnomAD and is interpreted as uncertain in ClinVar (Variation ID: 646667). At this time, the clinical significance of this variant is uncertain due to the absence of conclusive functional and genetic evidence.

Ambry Genetics
Classification: Uncertain significance for Hereditary cancer-predisposing syndrome. Last evaluated: 2025-09-17. Review status: criteria provided, single submitter. Criteria: Ambry Variant Classification Scheme 2023. Collection method: clinical testing. Allele origin: germline.
Comment: The p.N1118T variant (also known as c.3353A>C), located in coding exon 15 of the APC gene, results from an A to C substitution at nucleotide position 3353. The asparagine at codon 1118 is replaced by threonine, an amino acid with similar properties. This amino acid position is conserved. In addition, in silico predictors for this gene do not accurately predict pathogenicity. Based on the available evidence, the clinical significance of this variant remains unclear.

Quest Diagnostics Nichols Institute San Juan Capistrano
Classification: Uncertain significance. Last evaluated: 2024-03-06. Review status: criteria provided, single submitter. Criteria: Quest Diagnostics criteria. Collection method: clinical testing. Allele origin: unknown.
Comment: The APC c.3353A>C (p.Asn1118Thr) variant has not been reported in individuals with APC-related conditions in the published literature. The frequency of this variant in the general population, 0.000008 (2/250532 chromosomes (Genome Aggregation Database)), is uninformative in the assessment of its pathogenicity. Analysis of this variant using bioinformatics tools for the prediction of the effect of amino acid changes on protein structure and function yielded predictions that this variant is benign. Based on the available information, we are unable to determine the clinical significance of this variant.

All of Us Research Program, National Institutes of Health
Classification: Uncertain significance for Classic or attenuated familial adenomatous polyposis. Last evaluated: 2023-04-03. Review status: criteria provided, single submitter. Criteria: ACMG Guidelines, 2015. Collection method: clinical testing. Allele origin: germline. Inheritance: Autosomal dominant inheritance. Observed: 1 variant allele, 1 heterozygote.
Comment: This missense variant replaces asparagine with threonine at codon 1118 of the APC protein. Computational prediction suggests that this variant may not impact protein structure and function (internally defined REVEL score threshold <= 0.5, PMID: 27666373). To our knowledge, functional studies have not been reported for this variant. This variant has not been reported in individuals affected with APC-related disorders in the literature. This variant has been identified in 2/250532 chromosomes in the general population by the Genome Aggregation Database (gnomAD). The available evidence is insufficient to determine the role of this variant in disease conclusively. Therefore, this variant is classified as a Variant of Uncertain Significance.

This study involves interpretation of variants in research participants for the purpose of population health screening. Participant phenotype was not available at the time of variant classification. Additional details can be found in publication PMID: 35346344, PMCID: PMC8962531

Labcorp Genetics (formerly Invitae), Labcorp
Classification: Uncertain significance for Familial adenomatous polyposis 1. Last evaluated: 2022-03-13. Review status: criteria provided, single submitter. Criteria: Invitae Variant Classification Sherloc (09022015). Collection method: clinical testing. Allele origin: germline.
Comment: In summary, the available evidence is currently insufficient to determine the role of this variant in disease. Therefore, it has been classified as a Variant of Uncertain Significance. This sequence change replaces asparagine, which is neutral and polar, with threonine, which is neutral and polar, at codon 1118 of the APC protein (p.Asn1118Thr). This variant is present in population databases (rs752011683, gnomAD 0.006%). This variant has not been reported in the literature in individuals affected with APC-related conditions. ClinVar contains an entry for this variant (Variation ID: 646667). Algorithms developed to predict the effect of missense changes on protein structure and function (SIFT, PolyPhen-2, Align-GVGD) all suggest that this variant is likely to be tolerated.

NM_000038.6(APC):c.3353A>C (p.Asn1118Thr)

Gene: APC (APC regulator of Wnt signaling pathway; plus strand). Cytogenetic location: 5q22.2.
Variant type: single nucleotide variant.
Coding change: c.3353A>C on transcript NM_000038.6 (MANE Select); coding-DNA position 3353, A replaced by C.
Protein change: p.Asn1118Thr; replaces asparagine 1118 with threonine.
Molecular consequence: missense variant.
Genome position (GRCh38, 1-based): chr5:112,838,947, A>C. VCF-style: chr5-112838947-A-C. GRCh37 (hg19) VCF-style: chr5-112174644-A-C.
Other names: c.3353A>C, p.Asn1118Thr (NM_001127510.3, NM_001354895.2); c.3299A>C, p.Asn1100Thr (NM_001127511.3); c.3407A>C, p.Asn1136Thr (NM_001354896.2); c.3383A>C, p.Asn1128Thr (NM_001354897.2); c.3278A>C, p.Asn1093Thr (NM_001354898.2); c.3269A>C, p.Asn1090Thr (NM_001354899.2); c.3230A>C, p.Asn1077Thr (NM_001354900.2); c.3176A>C, p.Asn1059Thr (NM_001354901.2); and 5 more; short protein forms N1100T, N1017T, N1027T, N1059T, N1090T, N1093T, N992T, N835T.
Identifiers: ClinVar variation 646667 (VCV000646667.14), dbSNP rs752011683, ClinGen allele CA035129.
Genomic context (GRCh38, chr5:112,838,947, plus strand): 5'-GTGTTTCTCCATACAGGTCACGGGGAGCCAATGGTTCAGAAACAAATCGAGTGGGTTCTA[A>C]TCATGGAATTAATCAAAATGTAAGCCAGTCTTTGTGTCAAGAAGATGACTATGAAGATGA-3'
Protein context (NP_000029.2, residues 1108-1128): NGSETNRVGS[Asn1118Thr]HGINQNVSQS